The following is an entry in ClinVar:

ClinVar aggregate classification (germline): Uncertain significance (1 of 4 stars; one submission).

gnomAD v4.1: 11 of 1,612,736 alleles (0.00068%); highest among the groups gnomAD compares: Non-Finnish European, 0.00085%; no homozygotes.

Submission:

Labcorp Genetics (formerly Invitae), Labcorp
Classification: Uncertain significance. Last evaluated: 2026-01-26. Review status: criteria provided, single submitter. Criteria: Invitae Variant Classification Sherloc (09022015). Collection method: clinical testing. Allele origin: germline.
Comment: This sequence change replaces glycine, which is neutral and non-polar, with serine, which is neutral and polar, at codon 288 of the NEDD4L protein (p.Gly288Ser). This variant is present in population databases (rs769574778, gnomAD 0.003%). This variant has not been reported in the literature in individuals affected with NEDD4L-related conditions. An algorithm developed to predict the effect of missense changes on protein structure and function outputs the following: PolyPhen-2: "Benign". The serine amino acid residue is found in multiple mammalian species, which suggests that this missense change does not adversely affect protein function. In summary, the available evidence is currently insufficient to determine the role of this variant in disease. Therefore, it has been classified as a Variant of Uncertain Significance.

NM_001144967.3(NEDD4L):c.862G>A (p.Gly288Ser)

Gene: NEDD4L (NEDD4 like E3 ubiquitin protein ligase; plus strand). Cytogenetic location: 18q21.31.
Variant type: single nucleotide variant.
Coding change: c.862G>A on transcript NM_001144967.3 (MANE Select); coding-DNA position 862, G replaced by A.
Protein change: p.Gly288Ser; replaces glycine 288 with serine.
Molecular consequence: missense variant.
Genome position (GRCh38, 1-based): chr18:58,330,786, G>A. VCF-style: chr18-58330786-G-A. GRCh37 (hg19) VCF-style: chr18-55998018-G-A.
Other names: c.499G>A, p.Gly167Ser (NM_001144964.1, NM_001144965.2, NM_001144966.3 and 2 more transcripts); c.838G>A, p.Gly280Ser (NM_001144968.2, NM_001144969.2); c.862G>A, p.Gly288Ser (NM_001243960.2, NM_015277.6); c.1699G>A, p.Gly567Ser (NM_001437337.1); short protein forms G567S, G280S, G288S, G167S.
Identifiers: ClinVar variation 4695977 (VCV004695977.1).
Genomic context (GRCh38, chr18:58,330,786, plus strand): 5'-CTTCTCTGAAAGCCTTGGGAGACCATTTCAGAGGAAGTGAATATCGCTGGAGACTCTCTC[G>A]GTCTGGCTCTGCCCCCACCACCGGCCTCCCCAGGATCTCGGACCAGCCCTCAGGAGCTGT-3'
Protein context (NP_001138439.1, residues 278-298): EEVNIAGDSL[Gly288Ser]LALPPPPASP